The following is an entry in ClinVar:

ClinVar aggregate classification (germline): Likely benign (1 of 4 stars; one submission).

Allele frequency attached by ClinVar (database versions not stated): TOPMed 0.00001; gnomAD 0.00001.

Submission:

GeneDx
Classification: Likely benign. Last evaluated: 2016-11-01. Review status: criteria provided, single submitter. Criteria: GeneDx Variant Classification (06012015). Collection method: clinical testing. Allele origin: germline. Affected: yes.
Comment: This variant is considered likely benign or benign based on one or more of the following criteria: it is a conservative change, it occurs at a poorly conserved position in the protein, it is predicted to be benign by multiple in silico algorithms, and/or has population frequency not consistent with disease.

NM_175614.5(NDUFA11):c.313+10C>A

Gene: NDUFA11 (NADH:ubiquinone oxidoreductase subunit A11; minus strand). Cytogenetic location: 19p13.3.
Variant type: single nucleotide variant.
Coding change: c.313+10C>A on transcript NM_175614.5 (MANE Select); 10 bases into the intron after coding-DNA position 313, C replaced by A.
Molecular consequence: intron variant.
Genome position (GRCh38, 1-based): chr19:5,896,443, G>T on the plus strand (C>A on the coding strand, the complement: NDUFA11 is on the minus strand). VCF-style: chr19-5896443-G-T. GRCh37 (hg19) VCF-style: chr19-5896454-G-T.
Other names: c.313+10C>A (NM_001193375.3).
Identifiers: ClinVar variation 390550 (VCV000390550.1), dbSNP rs1057523813, ClinGen allele CA16608303.